The following is an entry in ClinVar:

ClinVar aggregate classification (germline): Uncertain significance (1 of 4 stars; one submission).

Conditions:
Inborn genetic diseases. Identifiers: MedGen C0950123, MeSH D030342.

Submission:

Ambry Genetics
Classification: Uncertain significance for Inborn genetic diseases. Last evaluated: 2025-03-31. Review status: criteria provided, single submitter. Criteria: Ambry Variant Classification Scheme 2023. Collection method: clinical testing. Allele origin: germline.
Comment: The p.R782T variant (also known as c.2345G>C), located in coding exon 8 of the MECOM gene, results from a G to C substitution at nucleotide position 2345. The arginine at codon 782 is replaced by threonine, an amino acid with similar properties. This amino acid position is conserved. In addition, the in silico prediction for this alteration is inconclusive. Based on the available evidence, the clinical significance of this variant remains unclear.

NM_004991.4(MECOM):c.2345G>C (p.Arg782Thr)

Gene: MECOM (MDS1 and EVI1 complex locus; minus strand). Cytogenetic location: 3q26.2.
Variant type: single nucleotide variant.
Coding change: c.2345G>C on transcript NM_004991.4 (MANE Select); coding-DNA position 2345, G replaced by C.
Protein change: p.Arg782Thr; replaces arginine 782 with threonine.
Molecular consequence: missense variant.
Genome position (GRCh38, 1-based): chr3:169,115,527, C>G on the plus strand (G>C on the coding strand, the complement: MECOM is on the minus strand). VCF-style: chr3-169115527-C-G. GRCh37 (hg19) VCF-style: chr3-168833315-C-G.
Other names: c.1976G>C, p.Arg659Thr (NM_001105077.4); c.1781G>C, p.Arg594Thr (NM_001105078.4, NM_001164000.2, NM_001205194.2 and 4 more transcripts); c.1784G>C, p.Arg595Thr (NM_001163999.2, NM_001366467.2, NM_001366468.2 and 1 more transcripts); c.2345G>C, p.Arg782Thr (NM_001366466.2); c.1373G>C, p.Arg458Thr (NM_001366473.2); c.809G>C, p.Arg270Thr (NM_001366474.2); short protein forms R270T, R594T, R659T, R458T, R595T, R782T.
Identifiers: ClinVar variation 4053128 (VCV004053128.1).